The following is an entry in ClinVar:

NM_001197104.2(KMT2A):c.1337C>T (p.Thr446Ile)

Gene: KMT2A (lysine methyltransferase 2A; plus strand). Cytogenetic location: 11q23.3.
Variant type: single nucleotide variant.
Coding change: c.1337C>T on transcript NM_001197104.2 (MANE Select); coding-DNA position 1337, C replaced by T.
Protein change: p.Thr446Ile; replaces threonine 446 with isoleucine.
Molecular consequence: missense variant.
Genome position (GRCh38, 1-based): chr11:118,472,496, C>T. VCF-style: chr11-118472496-C-T. GRCh37 (hg19) VCF-style: chr11-118343211-C-T.
Other names: c.1436C>T, p.Thr479Ile (NM_001412597.1); c.1337C>T, p.Thr446Ile (NM_005933.4); short protein forms T446I, T479I.
Identifiers: ClinVar variation 2339315 (VCV002339315.9), dbSNP rs1378747097, ClinGen allele CA382809895.

ClinVar aggregate classification (germline): Uncertain significance. Review status: criteria provided, multiple submitters, no conflicts (2 of 4 stars). 3 submissions from 3 submitters: Uncertain significance (3). Last evaluated 2025-03-31.

Conditions:
Inborn genetic diseases. Identifiers: MedGen C0950123, MeSH D030342.

Allele frequency attached by ClinVar (database versions not stated): gnomAD 0.00001; gnomAD exomes 0.00001; TOPMed 0.00002.
gnomAD v4.1: 12 of 1,613,474 alleles (0.00074%); highest among the groups gnomAD compares: African/African-American, 0.004%; no homozygotes.

Submissions (3):

Labcorp Genetics (formerly Invitae), Labcorp
Classification: Uncertain significance. Last evaluated: 2025-03-31. Review status: criteria provided, single submitter. Criteria: Invitae Variant Classification Sherloc (09022015). Collection method: clinical testing. Allele origin: germline.
Comment: This sequence change replaces threonine, which is neutral and polar, with isoleucine, which is neutral and non-polar, at codon 446 of the KMT2A protein (p.Thr446Ile). This variant is present in population databases (no rsID available, gnomAD 0.0009%). This variant has not been reported in the literature in individuals affected with KMT2A-related conditions. ClinVar contains an entry for this variant (Variation ID: 2339315). Invitae Evidence Modeling of protein sequence and biophysical properties (such as structural, functional, and spatial information, amino acid conservation, physicochemical variation, residue mobility, and thermodynamic stability) has been performed for this missense variant. However, the output from this modeling did not meet the statistical confidence thresholds required to predict the impact of this variant on KMT2A protein function. In summary, the available evidence is currently insufficient to determine the role of this variant in disease. Therefore, it has been classified as a Variant of Uncertain Significance.

Dasa
Classification: Uncertain significance. Last evaluated: 2024-10-15. Review status: criteria provided, single submitter. Criteria: DASA Assertion Criteria. Collection method: clinical testing. Allele origin: germline.
Comment: NM_001197104.2(KMT2A):c.1337C>T (p.Thr446Ile) is a missense variant that results in the substitution of threonine with isoleucine. This variant is rare in population databases. Computational prediction algorithms are consistent with a benign effect. The currently available literature and clinical evidence are not sufficient to establish a definitive association between this variant and the reported condition. Therefore, this variant is classified as a variant of uncertain significance.

Ambry Genetics
Classification: Uncertain significance for Inborn genetic diseases. Last evaluated: 2022-12-27. Review status: criteria provided, single submitter. Criteria: Ambry Variant Classification Scheme 2023. Collection method: clinical testing. Allele origin: germline.